The following is an entry in ClinVar:

ClinVar aggregate classification (germline): Uncertain significance (1 of 4 stars; one submission).

Allele frequency attached by ClinVar (database versions not stated): gnomAD below 0.00001 and 0.00001; TOPMed below 0.00001; gnomAD exomes 0.00002 and 0.00003; ExAC 0.00003.

Submission:

Labcorp Genetics (formerly Invitae), Labcorp
Classification: Uncertain significance. Last evaluated: 2021-12-06. Review status: criteria provided, single submitter. Criteria: Invitae Variant Classification Sherloc (09022015). Collection method: clinical testing. Allele origin: germline.
Comment: This variant has not been reported in the literature in individuals affected with CFAP298-related conditions. This sequence change replaces aspartic acid, which is acidic and polar, with asparagine, which is neutral and polar, at codon 261 of the CFAP298 protein (p.Asp261Asn). This variant is present in population databases (rs764670280, gnomAD 0.02%). ClinVar contains an entry for this variant (Variation ID: 405330). Algorithms developed to predict the effect of missense changes on protein structure and function are either unavailable or do not agree on the potential impact of this missense change (SIFT: "Deleterious"; PolyPhen-2: "Possibly Damaging"; Align-GVGD: "Class C15"). In summary, the available evidence is currently insufficient to determine the role of this variant in disease. Therefore, it has been classified as a Variant of Uncertain Significance.

NM_021254.4(CFAP298):c.781G>A (p.Asp261Asn)

Genes: CFAP298 (cilia and flagella associated protein 298; minus strand), CFAP298-TCP10L (CFAP298-TCP10L readthrough; minus strand). Cytogenetic location: 21q22.11.
Variant type: single nucleotide variant.
Coding change: c.781G>A on transcript NM_021254.4 (MANE Select); coding-DNA position 781, G replaced by A.
Protein change: p.Asp261Asn; replaces aspartic acid 261 with asparagine.
Molecular consequence: missense variant. On other transcripts: 3 prime UTR variant (2), intron variant (1).
Genome position (GRCh38, 1-based): chr21:32,601,955, C>T on the plus strand (G>A on the coding strand, the complement: CFAP298 is on the minus strand). VCF-style: chr21-32601955-C-T. GRCh37 (hg19) VCF-style: chr21-33974265-C-T.
Other names: c.484G>A, p.Asp162Asn (NM_001350334.2); c.*1134G>A (NM_001350335.2); c.685G>A, p.Asp229Asn (NM_001350336.2); c.*269G>A (NM_001350337.2); c.666+1206G>A (NM_001350338.2); short protein forms D261N, D162N, D229N.
Identifiers: ClinVar variation 405330 (VCV000405330.9), dbSNP rs764670280, ClinGen allele CA10002705.
Genomic context (GRCh38, chr21:32,601,955, plus strand): 5'-CATGAAAATGTCTTTTCAAAGCAGTGTTATCCGCCCATGGTGAGTTTAAATAGGCATCAT[C>T]ATCATTTTCTTCCAATCTCTGGAAATAAGTATGTTTTATTCAGGCAGGCATTTCAGGAAA-3'
Protein context (NP_067077.1, residues 251-271): EELKRLEEND[Asp261Asn]DAYLNSPWAD